The following is an entry in ClinVar:

ClinVar aggregate classification (germline): Uncertain significance (1 of 4 stars; one submission).

Allele frequency attached by ClinVar (database versions not stated): ExAC 0.00004.

Submission:

Labcorp Genetics (formerly Invitae), Labcorp
Classification: Uncertain significance. Last evaluated: 2024-10-16. Review status: criteria provided, single submitter. Criteria: Invitae Variant Classification Sherloc (09022015). Collection method: clinical testing. Allele origin: germline.
Comment: This sequence change replaces serine, which is neutral and polar, with arginine, which is basic and polar, at codon 352 of the TCF3 protein (p.Ser352Arg). This variant is present in population databases (rs767366520, gnomAD 0.005%). This variant has not been reported in the literature in individuals affected with TCF3-related conditions. ClinVar contains an entry for this variant (Variation ID: 2134513). Invitae Evidence Modeling of protein sequence and biophysical properties (such as structural, functional, and spatial information, amino acid conservation, physicochemical variation, residue mobility, and thermodynamic stability) indicates that this missense variant is not expected to disrupt TCF3 protein function with a negative predictive value of 80%. In summary, the available evidence is currently insufficient to determine the role of this variant in disease. Therefore, it has been classified as a Variant of Uncertain Significance.

NM_003200.5(TCF3):c.1056C>G (p.Ser352Arg)

Gene: TCF3 (transcription factor 3; minus strand). Cytogenetic location: 19p13.3.
Variant type: single nucleotide variant.
Coding change: c.1056C>G on transcript NM_003200.5 (MANE Select); coding-DNA position 1056, C replaced by G.
Protein change: p.Ser352Arg; replaces serine 352 with arginine.
Molecular consequence: missense variant.
Genome position (GRCh38, 1-based): chr19:1,621,005, G>C on the plus strand (C>G on the coding strand, the complement: TCF3 is on the minus strand). VCF-style: chr19-1621005-G-C. GRCh37 (hg19) VCF-style: chr19-1621004-G-C.
Other names: c.1056C>G, p.Ser352Arg (NM_001136139.4, NM_001351778.2, NM_001351779.2); short protein forms S352R.
Identifiers: ClinVar variation 2134513 (VCV002134513.4), dbSNP rs767366520, ClinGen allele CA9050089.
Genomic context (GRCh38, chr19:1,621,005, plus strand): 5'-CTCCCCCCAAAACCCTCACAGACCTGCCAGGCCCTGGGGGGAGCCCACGGGGGTAGAAGG[G>C]CTGGACGAGAAGTTATTGCTTGAGTGATCCGGGGAGTAGATCTGCGAGGAGGACCAGGAG-3'
Protein context (NP_003191.1, residues 342-362): PDHSSNNFSS[Ser352Arg]PSTPVGSPQG